The following is an entry in ClinVar:

ClinVar aggregate classification (germline): Likely pathogenic (1 of 4 stars; one submission).

Conditions:
Usher syndrome type 2A. Also called: RETINAL DISEASE IN USHER SYNDROME TYPE IIA, MODIFIER OF; USHER SYNDROME, TYPE IIA. Identifiers: Orphanet 231178, Orphanet 886, MedGen C1848634, MONDO:0010169, OMIM 276901.

Submission:

Natera, Inc.
Classification: Likely pathogenic for Usher syndrome type 2A. Last evaluated: 2024-11-18. Review status: criteria provided, single submitter. Criteria: Natera Variant Classification Schema (03/2026). Collection method: clinical testing. Allele origin: germline.
Comment: The c.4501C>T variant in USH2A is a nonsense variant predicted to introduce a stop codon at amino acid 1501. This variant is expected to result in nonsense mediated decay, truncation, or a dysfunctional protein product. This variant is rare in the general population with a frequency below the threshold expected for the associated phenotype(s). Given the available evidence, this variant is classified as Likely Pathogenic.

NM_206933.4(USH2A):c.4501C>T (p.Gln1501Ter)

Gene: USH2A (usherin; minus strand). Cytogenetic location: 1q41.
Variant type: single nucleotide variant.
Coding change: c.4501C>T on transcript NM_206933.4 (MANE Select); coding-DNA position 4501, C replaced by T.
Protein change: p.Gln1501Ter; replaces glutamine 1501 with a stop codon.
Molecular consequence: nonsense.
Genome position (GRCh38, 1-based): chr1:216,175,378, G>A on the plus strand (C>T on the coding strand, the complement: USH2A is on the minus strand). VCF-style: chr1-216175378-G-A. GRCh37 (hg19) VCF-style: chr1-216348720-G-A.
Other names: c.4501C>T, p.Gln1501Ter (NM_007123.6); short protein forms Q1501*.
Identifiers: ClinVar variation 4817123 (VCV004817123.1).